The following is an entry in ClinVar:

ClinVar aggregate classification (germline): Uncertain significance (1 of 4 stars; one submission).

Conditions:
Granulomatous disease, chronic, autosomal recessive, cytochrome b-negative. Also called: GRANULOMATOUS DISEASE, CHRONIC, AUTOSOMAL RECESSIVE, 4; Chronic granulomatous disease, autosomal, due to deficiency of CYBA; CGD DUE TO DEFICIENCY OF THE ALPHA SUBUNIT OF CYTOCHROME b; CGD, AUTOSOMAL RECESSIVE CYTOCHROME b-NEGATIVE; CYBA DEFICIENCY. Identifiers: Orphanet 379, MedGen C1856255, MONDO:0009308, OMIM 233690.

Allele frequency attached by ClinVar (database versions not stated): gnomAD 0.00001.
gnomAD v4.1: 17 of 1,534,032 alleles (0.0011%); highest among the groups gnomAD compares: Non-Finnish European, 0.0015%; no homozygotes.

Submission:

Labcorp Genetics (formerly Invitae), Labcorp
Classification: Uncertain significance for Granulomatous disease, chronic, autosomal recessive, cytochrome b-negative. Last evaluated: 2021-08-31. Review status: criteria provided, single submitter. Criteria: Invitae Variant Classification Sherloc (09022015). Collection method: clinical testing. Allele origin: germline.
Comment: This sequence change replaces proline with arginine at codon 183 of the CYBA protein (p.Pro183Arg). The proline residue is moderately conserved and there is a moderate physicochemical difference between proline and arginine. The frequency data for this variant in the population databases is considered unreliable, as metrics indicate insufficient coverage at this position in the ExAC database. This variant has not been reported in the literature in individuals affected with CYBA-related conditions. Algorithms developed to predict the effect of missense changes on protein structure and function are either unavailable or do not agree on the potential impact of this missense change (SIFT: "Deleterious"; PolyPhen-2: "Possibly Damaging"; Align-GVGD: "Class C0"). In summary, the available evidence is currently insufficient to determine the role of this variant in disease. Therefore, it has been classified as a Variant of Uncertain Significance.

NM_000101.4(CYBA):c.548C>G (p.Pro183Arg)

Gene: CYBA (cytochrome b-245 alpha chain; minus strand). Cytogenetic location: 16q24.2.
Variant type: single nucleotide variant.
Coding change: c.548C>G on transcript NM_000101.4 (MANE Select); coding-DNA position 548, C replaced by G.
Protein change: p.Pro183Arg; replaces proline 183 with arginine.
Molecular consequence: missense variant.
Genome position (GRCh38, 1-based): chr16:88,643,393, G>C on the plus strand (C>G on the coding strand, the complement: CYBA is on the minus strand). VCF-style: chr16-88643393-G-C. GRCh37 (hg19) VCF-style: chr16-88709801-G-C.
Other names: short protein forms P183R.
Identifiers: ClinVar variation 1416070 (VCV001416070.5), dbSNP rs939664876, ClinGen allele CA286348129.
Genomic context (GRCh38, chr16:88,643,393, plus strand): 5'-AGGGCAGGTCCGGGGCGAGGTCACACGACCTCGTCGGTCACCGGGATGGGGTTGACCTGG[G>C]GACCTCCCGGGGGTCCCCCCGCCGCCACCGCAGCCTCCTCCTCGCTGGGCTTCTTGCGGG-3'
Protein context (NP_000092.2, residues 173-193): AVAAGGPPGG[Pro183Arg]QVNPIPVTDE